The following is an entry in ClinVar:

ClinVar aggregate classification (germline): Likely benign. Review status: criteria provided, multiple submitters, no conflicts (2 of 4 stars). 2 submissions from 2 submitters: Likely benign (2). Last evaluated 2018-06-18.

Allele frequency attached by ClinVar (database versions not stated): gnomAD exomes 0.01242; 1000 Genomes Project 0.01398; 1000 Genomes Project 30x 0.01483; gnomAD 0.01750 and 0.01820; TOPMed 0.02049.
gnomAD v4.1: 15,699 of 1,187,914 alleles (1.3%); highest among the groups gnomAD compares: African/African-American, 3.1%; 179 homozygotes.

Submissions (2):

GeneDx
Classification: Likely benign. Last evaluated: 2018-06-18. Review status: criteria provided, single submitter. Criteria: GeneDx Variant Classification (06012015). Collection method: clinical testing. Allele origin: germline. Affected: yes.
Comment: This variant is considered likely benign or benign based on one or more of the following criteria: it is a conservative change, it occurs at a poorly conserved position in the protein, it is predicted to be benign by multiple in silico algorithms, and/or has population frequency not consistent with disease.

Breakthrough Genomics
Classification: Likely benign. Review status: criteria provided, single submitter. Criteria: ACMG Guidelines, 2015. Collection method: not provided. Allele origin: germline. Inheritance: Autosomal recessive inheritance. Affected: yes.

NM_000083.3(CLCN1):c.2365-126G>A

Gene: CLCN1 (chloride voltage-gated channel 1; plus strand). Cytogenetic location: 7q34.
Variant type: single nucleotide variant.
Coding change: c.2365-126G>A on transcript NM_000083.3 (MANE Select); 126 bases into the intron before coding-DNA position 2365, G replaced by A.
Molecular consequence: intron variant.
Genome position (GRCh38, 1-based): chr7:143,346,785, G>A. VCF-style: chr7-143346785-G-A. GRCh37 (hg19) VCF-style: chr7-143043878-G-A.
Identifiers: ClinVar variation 677360 (VCV000677360.2), dbSNP rs73172436, ClinGen allele CA168227665.